The following is an entry in ClinVar:

ClinVar aggregate classification (germline): Uncertain significance (1 of 4 stars; one submission).

Allele frequency attached by ClinVar (database versions not stated): gnomAD 0.00001.

Submission:

Labcorp Genetics (formerly Invitae), Labcorp
Classification: Uncertain significance. Last evaluated: 2022-10-19. Review status: criteria provided, single submitter. Criteria: Invitae Variant Classification Sherloc (09022015). Collection method: clinical testing. Allele origin: germline.
Comment: In summary, the available evidence is currently insufficient to determine the role of this variant in disease. Therefore, it has been classified as a Variant of Uncertain Significance. Advanced modeling of protein sequence and biophysical properties (such as structural, functional, and spatial information, amino acid conservation, physicochemical variation, residue mobility, and thermodynamic stability) performed at Invitae indicates that this missense variant is expected to disrupt IFT52 protein function. This variant has not been reported in the literature in individuals affected with IFT52-related conditions. This variant is not present in population databases (gnomAD no frequency). This sequence change replaces glycine, which is neutral and non-polar, with serine, which is neutral and polar, at codon 80 of the IFT52 protein (p.Gly80Ser).

NM_016004.5(IFT52):c.238G>A (p.Gly80Ser)

Gene: IFT52 (intraflagellar transport 52; plus strand). Cytogenetic location: 20q13.12.
Variant type: single nucleotide variant.
Coding change: c.238G>A on transcript NM_016004.5 (MANE Select); coding-DNA position 238, G replaced by A.
Protein change: p.Gly80Ser; replaces glycine 80 with serine.
Molecular consequence: missense variant. On other transcripts: 5 prime UTR variant (4).
Genome position (GRCh38, 1-based): chr20:43,603,790, G>A. VCF-style: chr20-43603790-G-A. GRCh37 (hg19) VCF-style: chr20-42232430-G-A.
Other names: c.238G>A, p.Gly80Ser (NM_001303458.3, NM_001303459.3); c.-434G>A (NM_001323578.2, NM_001323580.2); c.-527G>A (NM_001323579.2, NM_001323581.2); short protein forms G80S.
Identifiers: ClinVar variation 2878578 (VCV002878578.3), dbSNP rs1982637416, ClinGen allele CA409083708.